The following is an entry in ClinVar:

NM_000814.6(GABRB3):c.461+232TA[2]

Gene: GABRB3 (gamma-aminobutyric acid type A receptor subunit beta3; minus strand). Cytogenetic location: 15q12.
Variant type: Microsatellite.
Coding change: c.461+232TA[2] on transcript NM_000814.6 (MANE Select); two copies in a row of the 2-base unit TA starting at c.461+232; the reference has three copies in a row; one copy, 2 bases deleted.
Molecular consequence: intron variant.
Genome position (GRCh38, 1-based): chr15:26,621,077-26,621,078, TA deleted on the plus strand (TA on the coding strand, the reverse complement: GABRB3 is on the minus strand); deleting any 2 consecutive bases within chr15:26,621,077-26,621,082 gives the same sequence; the position shown is the placement nearest the transcript's 3' end. VCF-style (leftmost placement, unchanged base first): chr15-26621076-TTA-T. GRCh37 (hg19) VCF-style: chr15-26866223-TTA-T.
Other names: c.461+232TA[2] (NM_021912.5); c.206+232TA[2] (NM_001278631.2, NM_001191320.2); c.248+232TA[2] (NM_001191321.3).
Identifiers: ClinVar variation 680287 (VCV000680287.1), dbSNP rs79524521, ClinGen allele CA268161479.

ClinVar aggregate classification (germline): Benign (1 of 4 stars; one submission).

Submission:

GeneDx
Classification: Benign. Last evaluated: 2018-06-14. Review status: criteria provided, single submitter. Criteria: GeneDx Variant Classification (06012015). Collection method: clinical testing. Allele origin: germline. Affected: yes.
Comment: This variant is considered likely benign or benign based on one or more of the following criteria: it is a conservative change, it occurs at a poorly conserved position in the protein, it is predicted to be benign by multiple in silico algorithms, and/or has population frequency not consistent with disease.